The following is an entry in ClinVar:

NM_014520.4(MYBBP1A):c.2480G>T (p.Arg827Leu)

Gene: MYBBP1A (MYB binding protein 1a; minus strand). Cytogenetic location: 17p13.2.
Variant type: single nucleotide variant.
Coding change: c.2480G>T on transcript NM_014520.4 (MANE Select); coding-DNA position 2480, G replaced by T.
Protein change: p.Arg827Leu; replaces arginine 827 with leucine.
Molecular consequence: missense variant.
Genome position (GRCh38, 1-based): chr17:4,544,752, C>A on the plus strand (G>T on the coding strand, the complement: MYBBP1A is on the minus strand). VCF-style: chr17-4544752-C-A. GRCh37 (hg19) VCF-style: chr17-4448047-C-A.
Other names: c.2480G>T, p.Arg827Leu (NM_001105538.2); short protein forms R827L.
Identifiers: ClinVar variation 3365986 (VCV003365986.1).

ClinVar aggregate classification (germline): Uncertain significance (1 of 4 stars; one submission).

gnomAD v4.1: 1 of 1,554,096 alleles (0.000064%); highest among the groups gnomAD compares: East Asian, 0.0024%; no homozygotes.

Submission:

GeneDx
Classification: Uncertain significance. Last evaluated: 2023-10-22. Review status: criteria provided, single submitter. Criteria: GeneDx Variant Classification Process June 2021. Collection method: clinical testing. Allele origin: germline. Affected: yes.
Comment: Not observed at significant frequency in large population cohorts (gnomAD); In silico analysis supports that this missense variant has a deleterious effect on protein structure/function; Has not been previously published as pathogenic or benign to our knowledge; Variants in candidate genes are classified as variants of uncertain significance in accordance with ACMG guidelines (Richards et al., 2015)